The following is an entry in ClinVar:

NM_000260.4(MYO7A):c.4362C>A (p.Val1454=)

Gene: MYO7A (myosin VIIA; plus strand). Cytogenetic location: 11q13.5.
Variant type: single nucleotide variant.
Coding change: c.4362C>A on transcript NM_000260.4 (MANE Select); coding-DNA position 4362, C replaced by A.
Protein change: p.Val1454=; no amino-acid change (valine 1454 retained).
Molecular consequence: synonymous variant.
Genome position (GRCh38, 1-based): chr11:77,197,519, C>A. VCF-style: chr11-77197519-C-A. GRCh37 (hg19) VCF-style: chr11-76908564-C-A.
Other names: c.4362C>A, p.Val1454= (NM_001127180.2); c.4329C>A, p.Val1443= (NM_001369365.1).
Identifiers: ClinVar variation 796710 (VCV000796710.18), dbSNP rs374492441, ClinGen allele CA6198430.

ClinVar aggregate classification (germline): Conflicting classifications of pathogenicity. Review status: criteria provided, conflicting classifications (1 of 4 stars). 5 submissions from 5 submitters: Uncertain significance (1); Likely benign (2). 2 of the submissions do not count toward it. Last evaluated 2024-12-30.

Conditions:
MYO7A-related disorder. Also called: MYO7A-related disorders.
Usher syndrome type 1B (USH1B). Also called: Usher syndrome type IB. Identifiers: MedGen C1848638, MONDO:0700087.

Allele frequency attached by ClinVar (database versions not stated): gnomAD 0.00002; TOPMed 0.00003; ExAC 0.00006; ESP Exome Variant Server 0.00016.
gnomAD v4.1: 45 of 1,607,696 alleles (0.0028%); highest among the groups gnomAD compares: Non-Finnish European, 0.00042%; no homozygotes.

Submissions (5):

GeneDx
Classification: Uncertain significance. Last evaluated: 2024-12-30. Review status: criteria provided, single submitter. Criteria: GeneDx Variant Classification Process June 2021. Collection method: clinical testing. Allele origin: germline. Affected: yes.
Comment: Has not been previously published as pathogenic or benign to our knowledge; In silico analysis suggests this variant may impact gene splicing. In the absence of RNA/functional studies, the actual effect of this sequence change is unknown.

Labcorp Genetics (formerly Invitae), Labcorp
Classification: Likely benign. Last evaluated: 2024-10-30. Review status: criteria provided, single submitter. Criteria: Invitae Variant Classification Sherloc (09022015). Collection method: clinical testing. Allele origin: germline.

Laboratory for Molecular Medicine, Mass General Brigham Personalized Medicine
Classification: Likely benign. Last evaluated: 2017-08-23. Review status: criteria provided, single submitter. Criteria: LMM Criteria. Collection method: clinical testing. Allele origin: germline. Observed: 1 variant allele.
Comment: p.Val1454Val in exon 33 of MYO7A: This variant is not expected to have clinical significance because it does not alter an amino acid residue and is not located within the splice consensus sequence. It has been identified in 0.01% (4/35482) of European chromosomes by the Exome Aggregation Consortium (ExAC; dbSNP rs374492441).

PreventionGenetics, part of Exact Sciences
Classification: Uncertain significance for MYO7A-related condition. Last evaluated: 2024-09-25. Review status: no assertion criteria provided. Collection method: clinical testing. Allele origin: germline. Not counted in ClinVar's aggregate classification.
Comment: The MYO7A c.4362C>A variant is not predicted to result in an amino acid change (p.=). This variant is predicted to alter splicing based on available splicing prediction software (SpliceAI, Jaganathan et al. 2019. PubMed ID: 30661751). However, the use of computer prediction softwares is not equivalent to functional evidence. To our knowledge, this variant has not been reported in the literature. This variant is reported in 0.13% of alleles in individuals of Ashkenazi Jewish descent in gnomAD. Although we suspect that this variant is benign, at this time, the clinical significance of this variant is uncertain due to the absence of conclusive functional and genetic evidence.

Natera, Inc.
Classification: Uncertain significance for Usher syndrome type 1B. Last evaluated: 2020-03-10. Review status: no assertion criteria provided. Collection method: clinical testing. Allele origin: germline. Not counted in ClinVar's aggregate classification.